The following is an entry in ClinVar:

NM_018026.4(PACS1):c.2083C>T (p.Arg695Cys)

Gene: PACS1 (phosphofurin acidic cluster sorting protein 1; plus strand). Cytogenetic location: 11q13.2.
Variant type: single nucleotide variant.
Coding change: c.2083C>T on transcript NM_018026.4 (MANE Select); coding-DNA position 2083, C replaced by T.
Protein change: p.Arg695Cys; replaces arginine 695 with cysteine.
Molecular consequence: missense variant.
Genome position (GRCh38, 1-based): chr11:66,234,221, C>T. VCF-style: chr11-66234221-C-T. GRCh37 (hg19) VCF-style: chr11-66001692-C-T.
Other names: short protein forms R695C.
Identifiers: ClinVar variation 2742567 (VCV002742567.3), dbSNP rs866422657, ClinGen allele CA224037290.

ClinVar aggregate classification (germline): Uncertain significance (1 of 4 stars; one submission).

Conditions:
Schuurs-Hoeijmakers syndrome. Also called: PACS1-Related Neurodevelopmental Disorder. Identifiers: Orphanet 329224, MedGen C3554343, MONDO:0014006, OMIM 615009.

Allele frequency attached by ClinVar (database versions not stated): TOPMed 0.00001; gnomAD exomes below 0.00001; gnomAD 0.00001.
gnomAD v4.1: 7 of 1,613,384 alleles (0.00043%); highest among the groups gnomAD compares: African/African-American, 0.0027%; no homozygotes.

Submission:

Labcorp Genetics (formerly Invitae), Labcorp
Classification: Uncertain significance for Schuurs-Hoeijmakers syndrome. Last evaluated: 2026-01-13. Review status: criteria provided, single submitter. Criteria: Invitae Variant Classification Sherloc (09022015). Collection method: clinical testing. Allele origin: germline.
Comment: This sequence change replaces arginine, which is basic and polar, with cysteine, which is neutral and slightly polar, at codon 695 of the PACS1 protein (p.Arg695Cys). This variant is present in population databases (no rsID available, gnomAD 0.01%). This variant has not been reported in the literature in individuals affected with PACS1-related conditions. ClinVar contains an entry for this variant (Variation ID: 2742567). Invitae Evidence Modeling of protein sequence and biophysical properties (such as structural, functional, and spatial information, amino acid conservation, physicochemical variation, residue mobility, and thermodynamic stability) indicates that this missense variant is not expected to disrupt PACS1 protein function with a negative predictive value of 80%. In summary, the available evidence is currently insufficient to determine the role of this variant in disease. Therefore, it has been classified as a Variant of Uncertain Significance.